The following is an entry in ClinVar:

ClinVar aggregate classification (germline): Conflicting classifications of pathogenicity. Review status: criteria provided, conflicting classifications (1 of 4 stars). 2 submissions from 2 submitters: Uncertain significance (1); Likely benign (1). Last evaluated 2025-10-03.

gnomAD v4.1: 76 of 1,613,950 alleles (0.0047%); highest among the groups gnomAD compares: Admixed American, 0.0083%; no homozygotes.

Submissions (2):

Women's Health and Genetics/Laboratory Corporation of America, LabCorp
Classification: Likely benign. Last evaluated: 2025-10-03. Review status: criteria provided, single submitter. Criteria: LabCorp Variant Classification Summary - May 2015. Collection method: clinical testing. Allele origin: germline.
Comment: Variant summary: GBF1 c.2284G>A (p.Asp762Asn) results in a conservative amino acid change in the encoded protein sequence. Algorithms developed to predict the effect of missense changes on protein structure and function are either unavailable or do not agree on the potential impact of this missense change. The variant allele was found at a frequency of 4.7e-05 in 1613950 control chromosomes. The observed variant frequency exceeds the estimated maximal expected allele frequency for disease-causing variants in GBF1. To our knowledge, no occurrence of c.2284G>A in individuals affected with GBF1-related conditions and no experimental evidence demonstrating its impact on protein function have been reported. No submitters have cited clinical-significance assessments for this variant to ClinVar. Based on the evidence outlined above, the variant was classified as likely benign.

Ambry Genetics
Classification: Uncertain significance. Last evaluated: 2025-06-10. Review status: criteria provided, single submitter. Criteria: Ambry Variant Classification Scheme 2023. Collection method: clinical testing. Allele origin: germline.

NM_001377137.1(GBF1):c.2287G>A (p.Asp763Asn)

Gene: GBF1 (golgi brefeldin A resistant guanine nucleotide exchange factor 1; plus strand). Cytogenetic location: 10q24.32.
Variant type: single nucleotide variant.
Coding change: c.2287G>A on transcript NM_001377137.1 (MANE Select); coding-DNA position 2287, G replaced by A.
Protein change: p.Asp763Asn; replaces aspartic acid 763 with asparagine.
Molecular consequence: missense variant. On other transcripts: non-coding transcript variant (5).
Genome position (GRCh38, 1-based): chr10:102,365,577, G>A. VCF-style: chr10-102365577-G-A. GRCh37 (hg19) VCF-style: chr10-104125334-G-A.
Other names: c.2284G>A, p.Asp762Asn (NM_001377141.1, NM_001391924.1, NM_001391927.1 and 4 more transcripts); c.2383G>A, p.Asp795Asn (NM_001391922.1, NM_001411027.1); c.2287G>A, p.Asp763Asn (NM_001391923.1, NM_001199378.2); c.2248G>A, p.Asp750Asn (NM_001391925.1, NM_001377138.1); c.2251G>A, p.Asp751Asn (NM_001391926.1); c.2143G>A, p.Asp715Asn (NM_001391928.1); c.1990G>A, p.Asp664Asn (NM_001377139.1, NM_001377140.1); c.1906G>A, p.Asp636Asn (NM_001391931.1); and 1 more; short protein forms D664N, D715N, D750N, D787N, D751N, D762N, D795N, D636N.
Identifiers: ClinVar variation 4028618 (VCV004028618.2).
Genomic context (GRCh38, chr10:102,365,577, plus strand): 5'-GAGAACCCTCGGCTGGACAAGAAGATGATTGGAGAGTTTGTGAGTGACCGCAAAAACATT[G>A]ACCTGTTGGAGAGCTTTGTGAGGTGAGGAAGCTGTAAGAAATGTGGGATATAGCCAGGTA-3'
Protein context (NP_001364066.1, residues 753-773): GEFVSDRKNI[Asp763Asn]LLESFVSTFS